The following is an entry in ClinVar:

NM_015512.5(DNAH1):c.8678T>C (p.Ile2893Thr)

Gene: DNAH1 (dynein axonemal heavy chain 1; plus strand). Cytogenetic location: 3p21.1.
Variant type: single nucleotide variant.
Coding change: c.8678T>C on transcript NM_015512.5 (MANE Select); coding-DNA position 8678, T replaced by C.
Protein change: p.Ile2893Thr; replaces isoleucine 2893 with threonine.
Molecular consequence: missense variant.
Genome position (GRCh38, 1-based): chr3:52,386,212, T>C. VCF-style: chr3-52386212-T-C. GRCh37 (hg19) VCF-style: chr3-52420228-T-C.
Other names: c.8678T>C (NM_015512.4); short protein forms I2893T.
Identifiers: ClinVar variation 1966861 (VCV001966861.6), dbSNP rs770434805, ClinGen allele CA2435295.

ClinVar aggregate classification (germline): Uncertain significance. Review status: criteria provided, multiple submitters, no conflicts (2 of 4 stars). 2 submissions from 2 submitters: Uncertain significance (2). Last evaluated 2024-07-14.

Conditions:
Spermatogenic failure 18. Identifiers: MedGen C4539783, MONDO:0054615, OMIM 617576.
Ciliary dyskinesia, primary, 37 (CILD37). Also called: CILIARY DYSKINESIA, PRIMARY, 37, WITH OR WITHOUT SITUS INVERSUS. Identifiers: MedGen C4539798, MONDO:0033204, OMIM 617577.

Allele frequency attached by ClinVar (database versions not stated): gnomAD exomes 0.00001; ExAC 0.00003.
gnomAD v4.1: 13 of 1,613,756 alleles (0.00081%); highest among the groups gnomAD compares: Non-Finnish European, 0.001%; no homozygotes.

Submissions (2):

Johns Hopkins Genomics, Johns Hopkins University
Classification: Uncertain significance for Ciliary dyskinesia, primary, 37. Last evaluated: 2024-07-14. Review status: criteria provided, single submitter. Criteria: ACMG Guidelines, 2015. Collection method: clinical testing. Allele origin: germline.
Comment: This DNAH1 missense variant (rs770434805) is rare (<0.1%) in a large population dataset (gnomAD v4.1.0: 13/1613756 total alleles; 0.0008%; no homozygotes). It has been reported in ClinVar (Variation ID 1966861), but has not been reported in the literature, to our knowledge. Two bioinformatic tools queried predict that this substitution would be tolerated, and the isoleucine residue at this position is evolutionarily conserved across many of the species assessed, but several species have a different amino acid at this position including five species with threonine. We consider the clinical significance of c.8678T>C in DNAH1 to be uncertain at this time.

Labcorp Genetics (formerly Invitae), Labcorp
Classification: Uncertain significance for Ciliary dyskinesia, primary, 37; Spermatogenic failure 18. Last evaluated: 2022-04-01. Review status: criteria provided, single submitter. Criteria: Invitae Variant Classification Sherloc (09022015). Collection method: clinical testing. Allele origin: germline.
Comment: In summary, the available evidence is currently insufficient to determine the role of this variant in disease. Therefore, it has been classified as a Variant of Uncertain Significance. Algorithms developed to predict the effect of missense changes on protein structure and function output the following: SIFT: "Tolerated"; PolyPhen-2: "Benign"; Align-GVGD: "Class C0". The threonine amino acid residue is found in multiple mammalian species, which suggests that this missense change does not adversely affect protein function. This variant has not been reported in the literature in individuals affected with DNAH1-related conditions. This variant is present in population databases (rs770434805, gnomAD 0.003%). This sequence change replaces isoleucine, which is neutral and non-polar, with threonine, which is neutral and polar, at codon 2893 of the DNAH1 protein (p.Ile2893Thr).

Literature cited by the submitters: PubMed 30544445 (cited by Johns Hopkins Genomics, Johns Hopkins University).